The following is an entry in ClinVar:

NM_206933.4(USH2A):c.4388T>C (p.Leu1463Ser)

Gene: USH2A (usherin; minus strand). Cytogenetic location: 1q41.
Variant type: single nucleotide variant.
Coding change: c.4388T>C on transcript NM_206933.4 (MANE Select); coding-DNA position 4388, T replaced by C.
Protein change: p.Leu1463Ser; replaces leucine 1463 with serine.
Molecular consequence: missense variant.
Genome position (GRCh38, 1-based): chr1:216,190,231, A>G on the plus strand (T>C on the coding strand, the complement: USH2A is on the minus strand). VCF-style: chr1-216190231-A-G. GRCh37 (hg19) VCF-style: chr1-216363573-A-G.
Other names: c.4388T>C, p.Leu1463Ser (NM_007123.6); short protein forms L1463S.
Identifiers: ClinVar variation 1502144 (VCV001502144.8), dbSNP rs2034687690, ClinGen allele CA344865068.

ClinVar aggregate classification (germline): Uncertain significance. Review status: criteria provided, multiple submitters, no conflicts (2 of 4 stars). 2 submissions from 2 submitters: Uncertain significance (2). Last evaluated 2024-08-05.

Allele frequency attached by ClinVar (database versions not stated): gnomAD exomes below 0.00001; TOPMed below 0.00001.
gnomAD v4.1: 2 of 1,612,320 alleles (0.00012%); highest among the groups gnomAD compares: South Asian, 0.0022%; no homozygotes.

Submissions (2):

Labcorp Genetics (formerly Invitae), Labcorp
Classification: Uncertain significance. Last evaluated: 2024-08-05. Review status: criteria provided, single submitter. Criteria: Invitae Variant Classification Sherloc (09022015). Collection method: clinical testing. Allele origin: germline.
Comment: This sequence change replaces leucine, which is neutral and non-polar, with serine, which is neutral and polar, at codon 1463 of the USH2A protein (p.Leu1463Ser). This variant is not present in population databases (gnomAD no frequency). This variant has not been reported in the literature in individuals affected with USH2A-related conditions. ClinVar contains an entry for this variant (Variation ID: 1502144). Advanced modeling of protein sequence and biophysical properties (such as structural, functional, and spatial information, amino acid conservation, physicochemical variation, residue mobility, and thermodynamic stability) performed at Invitae indicates that this missense variant is not expected to disrupt USH2A protein function with a negative predictive value of 95%. In summary, the available evidence is currently insufficient to determine the role of this variant in disease. Therefore, it has been classified as a Variant of Uncertain Significance.

Blueprint Genetics
Classification: Uncertain significance. Last evaluated: 2022-06-15. Review status: criteria provided, single submitter. Criteria: ACMG Guidelines, 2015. Collection method: clinical testing. Allele origin: germline.